The following is an entry in ClinVar:

ClinVar aggregate classification (germline): Likely benign. Review status: criteria provided, single submitter (1 of 4 stars). 2 submissions from 2 submitters: Likely benign (1). 1 of the submissions does not count toward it. Last evaluated 2022-11-10.

Conditions:
VPS13B-related disorder. Also called: VPS13B-related condition.
Cohen syndrome (COH1). Also called: Cutis verticis gyrata, retinitis pigmentosa, and sensorineural deafness; PEPPER SYNDROME. Identifiers: Orphanet 193, MedGen C0265223, MONDO:0008999, OMIM 216550.

Submissions (2):

Labcorp Genetics (formerly Invitae), Labcorp
Classification: Likely benign for Cohen syndrome. Last evaluated: 2022-11-10. Review status: criteria provided, single submitter. Criteria: Invitae Variant Classification Sherloc (09022015). Collection method: clinical testing. Allele origin: germline.

PreventionGenetics, part of Exact Sciences
Classification: Likely benign for VPS13B-related condition. Last evaluated: 2023-09-16. Review status: no assertion criteria provided. Collection method: clinical testing. Allele origin: germline. Not counted in ClinVar's aggregate classification.
Comment: This variant is classified as likely benign based on ACMG/AMP sequence variant interpretation guidelines (Richards et al. 2015 PMID: 25741868, with internal and published modifications).

NM_152564.5(VPS13B):c.1959C>G (p.Ser653=)

Gene: VPS13B (vacuolar protein sorting 13 homolog B; plus strand). Cytogenetic location: 8q22.2.
Variant type: single nucleotide variant.
Coding change: c.1959C>G on transcript NM_152564.5 (MANE Select); coding-DNA position 1959, C replaced by G.
Protein change: p.Ser653=; no amino-acid change (serine 653 retained).
Molecular consequence: synonymous variant.
Genome position (GRCh38, 1-based): chr8:99,147,956, C>G. VCF-style: chr8-99147956-C-G. GRCh37 (hg19) VCF-style: chr8-100160184-C-G.
Other names: c.1959C>G (NM_152564.4); c.1959C>G, p.Ser653= (NM_015243.3, NM_017890.5).
Identifiers: ClinVar variation 1105850 (VCV001105850.10), dbSNP rs2132597068, ClinGen allele CA462423972.